The following is an entry in ClinVar:

NM_001099289.3(SH3RF3):c.1373C>T (p.Thr458Met)

Genes: RANBP2 (RAN binding protein 2; plus strand), SH3RF3 (SH3 domain containing ring finger 3; plus strand). Cytogenetic location: 2q13.
Variant type: single nucleotide variant.
Coding change: c.1373C>T on transcript NM_001099289.3 (MANE Select); coding-DNA position 1373, C replaced by T.
Protein change: p.Thr458Met; replaces threonine 458 with methionine.
Molecular consequence: missense variant.
Genome position (GRCh38, 1-based): chr2:109,419,612, C>T. VCF-style: chr2-109419612-C-T. GRCh37 (hg19) VCF-style: chr2-110036068-C-T.
Other names: short protein forms T458M.
Identifiers: ClinVar variation 4583324 (VCV004583324.1).
Genomic context (GRCh38, chr2:109,419,612, plus strand): 5'-CGGCGGGATCTACCCCCACGGCTGTCCCACGGGCTGCCTCGGTGTCTGGAGAGCAGGGCA[C>T]GCCTCCCAAGGTCCAGCTGCCCCTCAACGTGTGAGCTGCCCTTTGTGTCTGTCGGGGTCC-3'
Protein context (NP_001092759.1, residues 448-468): RAASVSGEQG[Thr458Met]PPKVQLPLNV

ClinVar aggregate classification (germline): Uncertain significance (1 of 4 stars; one submission).

gnomAD v4.1: 38 of 1,591,140 alleles (0.0024%); highest among the groups gnomAD compares: African/African-American, 0.037%; no homozygotes.

Submission:

Ambry Genetics
Classification: Uncertain significance. Last evaluated: 2025-09-22. Review status: criteria provided, single submitter. Criteria: Ambry Variant Classification Scheme 2023. Collection method: clinical testing. Allele origin: germline.
Comment: The c.1373C>T (p.T458M) alteration is located in exon (coding exon ) of the SH3RF3 gene. This alteration results from a C to T substitution at nucleotide position 1373, causing the threonine (T) at amino acid position 458 to be replaced by a methionine (M). Based on insufficient or conflicting evidence, the clinical significance of this alteration remains unclear.